The following is an entry in ClinVar:

ClinVar aggregate classification (germline): Likely benign (1 of 4 stars; one submission).

gnomAD v4.1: 335 of 1,609,444 alleles (0.021%); highest among the groups gnomAD compares: East Asian, 0.045%; 1 homozygote.

Submission:

CeGaT Center for Human Genetics Tuebingen
Classification: Likely benign. Last evaluated: 2026-09-01. Review status: criteria provided, single submitter. Criteria: CeGaT Center For Human Genetics Tuebingen Variant Classification Criteria Version 2. Collection method: clinical testing. Allele origin: germline. Affected: yes. Observed: 2 variant alleles.
Comment: TBC1D23: BP4, BP7

NM_001199198.3(TBC1D23):c.105G>A (p.Thr35=)

Gene: TBC1D23 (TBC1 domain family member 23; plus strand). Cytogenetic location: 3q12.1.
Variant type: single nucleotide variant.
Coding change: c.105G>A on transcript NM_001199198.3 (MANE Select); coding-DNA position 105, G replaced by A.
Protein change: p.Thr35=; no amino-acid change (threonine 35 retained).
Molecular consequence: synonymous variant.
Genome position (GRCh38, 1-based): chr3:100,279,700, G>A. VCF-style: chr3-100279700-G-A. GRCh37 (hg19) VCF-style: chr3-99998544-G-A.
Other names: c.105G>A, p.Thr35= (NM_018309.5).
Identifiers: ClinVar variation 3387840 (VCV003387840.14).